The following is an entry in ClinVar:

NM_015047.3(EMC1):c.2576G>A (p.Arg859Gln)

Genes: EMC1 (ER membrane protein complex subunit 1; minus strand), EMC1-AS1 (EMC1 antisense RNA 1; plus strand). Cytogenetic location: 1p36.13.
Variant type: single nucleotide variant.
Coding change: c.2576G>A on transcript NM_015047.3 (MANE Select); coding-DNA position 2576, G replaced by A.
Protein change: p.Arg859Gln; replaces arginine 859 with glutamine.
Molecular consequence: missense variant.
Genome position (GRCh38, 1-based): chr1:19,222,635, C>T on the plus strand (G>A on the coding strand, the complement: EMC1 is on the minus strand). VCF-style: chr1-19222635-C-T. GRCh37 (hg19) VCF-style: chr1-19549129-C-T.
Other names: c.2576G>A (NM_015047.1); c.2573G>A, p.Arg858Gln (NM_001271427.2, NM_001271428.2); c.2510G>A, p.Arg837Gln (NM_001271429.2); c.2585G>A, p.Arg862Gln (NM_001375820.1); c.2582G>A, p.Arg861Gln (NM_001375821.1); short protein forms R859Q, R861Q, R862Q, R858Q, R837Q.
Identifiers: ClinVar variation 1944416 (VCV001944416.7), dbSNP rs761754934, ClinGen allele CA652239.

ClinVar aggregate classification (germline): Uncertain significance. Review status: criteria provided, multiple submitters, no conflicts (2 of 4 stars). 3 submissions from 3 submitters: Uncertain significance (2). 1 of the submissions does not count toward it. Last evaluated 2024-11-21.

Conditions:
Inborn genetic diseases. Identifiers: MedGen C0950123, MeSH D030342.
Retinal dystrophy. Also called: Inherited retinal dystrophy. Identifiers: Orphanet 71862, MedGen C0854723, MeSH D058499, MONDO:0019118, HP:0000556.

Allele frequency attached by ClinVar (database versions not stated): gnomAD exomes below 0.00001; gnomAD 0.00001; TOPMed 0.00001; ExAC 0.00002.
gnomAD v4.1: 5 of 1,613,538 alleles (0.00031%); highest among the groups gnomAD compares: Admixed American, 0.0017%; no homozygotes.

Submissions (3):

Labcorp Genetics (formerly Invitae), Labcorp
Classification: Uncertain significance. Last evaluated: 2024-11-21. Review status: criteria provided, single submitter. Criteria: Invitae Variant Classification Sherloc (09022015). Collection method: clinical testing. Allele origin: germline.
Comment: This sequence change replaces arginine, which is basic and polar, with glutamine, which is neutral and polar, at codon 859 of the EMC1 protein (p.Arg859Gln). This variant is present in population databases (rs761754934, gnomAD 0.003%). This variant has not been reported in the literature in individuals affected with EMC1-related conditions. ClinVar contains an entry for this variant (Variation ID: 1944416). Invitae Evidence Modeling of protein sequence and biophysical properties (such as structural, functional, and spatial information, amino acid conservation, physicochemical variation, residue mobility, and thermodynamic stability) indicates that this missense variant is expected to disrupt EMC1 protein function with a positive predictive value of 80%. In summary, the available evidence is currently insufficient to determine the role of this variant in disease. Therefore, it has been classified as a Variant of Uncertain Significance.

Ambry Genetics
Classification: Uncertain significance for Inborn genetic diseases. Last evaluated: 2024-09-26. Review status: criteria provided, single submitter. Criteria: Ambry Variant Classification Scheme 2023. Collection method: clinical testing. Allele origin: germline.

Institute of Human Genetics, Univ. Regensburg, Univ. Regensburg
Classification: Uncertain significance for Retinal dystrophy. Last evaluated: 2023-01-01. Review status: no assertion criteria provided. Criteria: ACMG Guidelines, 2015. Collection method: clinical testing. Allele origin: germline. Affected: yes. Not counted in ClinVar's aggregate classification.